The following is an entry in ClinVar:

NM_001267550.2(TTN):c.42591A>G (p.Lys14197=)

Gene: TTN (titin; minus strand). Cytogenetic location: 2q31.2.
Variant type: single nucleotide variant.
Coding change: c.42591A>G on transcript NM_001267550.2 (MANE Select); coding-DNA position 42591, A replaced by G.
Protein change: p.Lys14197=; no amino-acid change (lysine 14197 retained).
Molecular consequence: synonymous variant.
Genome position (GRCh38, 1-based): chr2:178,633,908, T>C on the plus strand (A>G on the coding strand, the complement: TTN is on the minus strand). VCF-style: chr2-178633908-T-C. GRCh37 (hg19) VCF-style: chr2-179498635-T-C.
Other names: c.37668A>G, p.Lys12556= (NM_001256850.1); c.15396A>G, p.Lys5132= (NM_003319.4); c.34887A>G, p.Lys11629= (NM_133378.4); c.15771A>G, p.Lys5257= (NM_133432.3); c.15972A>G, p.Lys5324= (NM_133437.4).
Identifiers: ClinVar variation 1107419 (VCV001107419.15), dbSNP rs1433094325, ClinGen allele CA430277296.

ClinVar aggregate classification (germline): Likely benign. Review status: criteria provided, multiple submitters, no conflicts (2 of 4 stars). 2 submissions from 2 submitters: Likely benign (2). Last evaluated 2025-10-01.

Conditions:
Autosomal recessive limb-girdle muscular dystrophy type 2J (LGMDR10). Also called: Limb-girdle muscular dystrophy, type 2J; MUSCULAR DYSTROPHY, LIMB-GIRDLE, AUTOSOMAL RECESSIVE 10. Identifiers: Orphanet 140922, MedGen C1837342, MONDO:0012127, OMIM 608807.
Dilated cardiomyopathy 1G (CMD1G). Identifiers: Orphanet 154, MedGen C1858763, MONDO:0011400, OMIM 604145.

Allele frequency attached by ClinVar (database versions not stated): gnomAD exomes below 0.00001; TOPMed below 0.00001.
gnomAD v4.1: 1 of 1,613,454 alleles (0.000062%); highest among the groups gnomAD compares: Non-Finnish European, 0.000085%; no homozygotes.

Submissions (2):

CeGaT Center for Human Genetics Tuebingen
Classification: Likely benign. Last evaluated: 2025-10-01. Review status: criteria provided, single submitter. Criteria: CeGaT Center For Human Genetics Tuebingen Variant Classification Criteria Version 2. Collection method: clinical testing. Allele origin: germline. Affected: yes. Observed: 1 variant allele.
Comment: TTN: BP4, BP7

Labcorp Genetics (formerly Invitae), Labcorp
Classification: Likely benign for Dilated cardiomyopathy 1G; Autosomal recessive limb-girdle muscular dystrophy type 2J. Last evaluated: 2025-03-18. Review status: criteria provided, single submitter. Criteria: Invitae Variant Classification Sherloc (09022015). Collection method: clinical testing. Allele origin: germline.